The following is an entry in ClinVar:

NM_000642.3(AGL):c.1432G>C (p.Val478Leu)

Gene: AGL (amylo-alpha-1,6-glucosidase and 4-alpha-glucanotransferase; plus strand). Cytogenetic location: 1p21.2.
Variant type: single nucleotide variant.
Coding change: c.1432G>C on transcript NM_000642.3 (MANE Select); coding-DNA position 1432, G replaced by C.
Protein change: p.Val478Leu; replaces valine 478 with leucine.
Molecular consequence: missense variant.
Genome position (GRCh38, 1-based): chr1:99,877,649, G>C. VCF-style: chr1-99877649-G-C. GRCh37 (hg19) VCF-style: chr1-100343205-G-C.
Other names: c.1432G>C, p.Val478Leu (NM_000028.3, NM_000643.3, NM_000644.3 and 2 more transcripts); c.1384G>C, p.Val462Leu (NM_000646.3); c.1231G>C, p.Val411Leu (NM_001425327.1); c.1228G>C, p.Val410Leu (NM_001425328.1, NM_001425329.1); c.1054G>C, p.Val352Leu (NM_001425332.1); short protein forms V478L, V462L, V352L, V410L, V411L.
Identifiers: ClinVar variation 2181894 (VCV002181894.4), dbSNP rs527819721, ClinGen allele CA341314487.

ClinVar aggregate classification (germline): Uncertain significance (1 of 4 stars; one submission).

Conditions:
Glycogen storage disease type III (GSD3). Also called: FORBES DISEASE; Cori disease. Identifiers: Orphanet 366, MedGen C0017922, MONDO:0009291, OMIM 232400.

Submission:

Labcorp Genetics (formerly Invitae), Labcorp
Classification: Uncertain significance for Glycogen storage disease type III. Last evaluated: 2023-04-10. Review status: criteria provided, single submitter. Criteria: Invitae Variant Classification Sherloc (09022015). Collection method: clinical testing. Allele origin: germline.
Comment: Advanced modeling of protein sequence and biophysical properties (such as structural, functional, and spatial information, amino acid conservation, physicochemical variation, residue mobility, and thermodynamic stability) performed at Invitae indicates that this missense variant is expected to disrupt AGL protein function. In summary, the available evidence is currently insufficient to determine the role of this variant in disease. Therefore, it has been classified as a Variant of Uncertain Significance. ClinVar contains an entry for this variant (Variation ID: 2181894). This sequence change replaces valine, which is neutral and non-polar, with leucine, which is neutral and non-polar, at codon 478 of the AGL protein (p.Val478Leu). This variant is not present in population databases (gnomAD no frequency). This variant has not been reported in the literature in individuals affected with AGL-related conditions.